The following is an entry in ClinVar:

NM_022437.3(ABCG8):c.1516G>T (p.Ala506Ser)

Gene: ABCG8 (ATP binding cassette subfamily G member 8; plus strand). Cytogenetic location: 2p21.
Variant type: single nucleotide variant.
Coding change: c.1516G>T on transcript NM_022437.3 (MANE Select); coding-DNA position 1516, G replaced by T.
Protein change: p.Ala506Ser; replaces alanine 506 with serine.
Molecular consequence: missense variant.
Genome position (GRCh38, 1-based): chr2:43,875,173, G>T. VCF-style: chr2-43875173-G-T. GRCh37 (hg19) VCF-style: chr2-44102312-G-T.
Other names: c.1513G>T, p.Ala505Ser (NM_001357321.2); short protein forms A505S, A506S.
Identifiers: ClinVar variation 1052792 (VCV001052792.7), dbSNP rs777346950, ClinGen allele CA1637533.

ClinVar aggregate classification (germline): Uncertain significance. Review status: criteria provided, multiple submitters, no conflicts (2 of 4 stars). 2 submissions from 2 submitters: Uncertain significance (2). Last evaluated 2024-07-25.

Conditions:
Cardiovascular phenotype. Identifiers: MedGen CN230736.

Allele frequency attached by ClinVar (database versions not stated): TOPMed below 0.00001; ExAC 0.00002; gnomAD exomes 0.00002.
gnomAD v4.1: 5 of 1,614,248 alleles (0.00031%); highest among the groups gnomAD compares: Admixed American, 0.0083%; no homozygotes.

Submissions (2):

Ambry Genetics
Classification: Uncertain significance for Cardiovascular phenotype. Last evaluated: 2024-07-25. Review status: criteria provided, single submitter. Criteria: Ambry Variant Classification Scheme 2023. Collection method: clinical testing. Allele origin: germline.
Comment: The p.A506S variant (also known as c.1516G>T), located in coding exon 11 of the ABCG8 gene, results from a G to T substitution at nucleotide position 1516. The alanine at codon 506 is replaced by serine, an amino acid with similar properties. This amino acid position is conserved. In addition, this alteration is predicted to be tolerated by in silico analysis. Since supporting evidence is limited at this time, the clinical significance of this alteration remains unclear.

Labcorp Genetics (formerly Invitae), Labcorp
Classification: Uncertain significance. Last evaluated: 2021-08-30. Review status: criteria provided, single submitter. Criteria: Invitae Variant Classification Sherloc (09022015). Collection method: clinical testing. Allele origin: germline.